The following is an entry in ClinVar:

NM_001378615.1(CC2D2A):c.248-1G>A

Genes: CC2D2A (coiled-coil and C2 domain containing 2A; plus strand), FBXL5 (F-box and leucine rich repeat protein 5; minus strand). Cytogenetic location: 4p15.32.
Variant type: single nucleotide variant.
Coding change: c.248-1G>A on transcript NM_001378615.1 (MANE Select); the canonical splice acceptor site of the intron before coding-DNA position 248, G replaced by A.
Molecular consequence: splice acceptor variant.
Genome position (GRCh38, 1-based): chr4:15,502,428, G>A. VCF-style: chr4-15502428-G-A. GRCh37 (hg19) VCF-style: chr4-15504051-G-A.
Other names: c.248-1G>A (NM_001080522.2); c.101-1G>A (NM_001378617.1).
Identifiers: ClinVar variation 1067549 (VCV001067549.7), dbSNP rs2108998253, ClinGen allele CA356408039.
Genomic context (GRCh38, chr4:15,502,428, plus strand): 5'-TCCTTTTTCTTTTCTTTTTCTTTTTTTTTTATTTTGTTTTGTTTTTGTTTTTGTTTTTTA[G>A]GCTTACCTCCAATTCCTTCAACTTCCAGAACAGGCTTTGCAGAATTTTCCATGAGGGGAC-3'

ClinVar aggregate classification (germline): Likely pathogenic (1 of 4 stars; one submission).

Conditions:
Joubert syndrome. Also called: JOUBERT-BOLTSHAUSER SYNDROME; Familial aplasia of the vermis. Identifiers: Orphanet 475, MedGen C5979921, MONDO:0018772.
Meckel-Gruber syndrome. Also called: DYSENCEPHALIA SPLANCHNOCYSTICA; GRUBER SYNDROME; Dysencephalia splachnocystica. Identifiers: Orphanet 564, MedGen C0265215, MONDO:0018921.

Submission:

Labcorp Genetics (formerly Invitae), Labcorp
Classification: Likely pathogenic for Joubert syndrome; Meckel-Gruber syndrome. Last evaluated: 2020-07-01. Review status: criteria provided, single submitter. Criteria: Invitae Variant Classification Sherloc (09022015). Collection method: clinical testing. Allele origin: germline.
Comment: In summary, the currently available evidence indicates that the variant is pathogenic, but additional data are needed to prove that conclusively. Therefore, this variant has been classified as Likely Pathogenic. Donor and acceptor splice site variants typically lead to a loss of protein function (PMID: 16199547), and loss-of-function variants in CC2D2A are known to be pathogenic (PMID: 19777577). Algorithms developed to predict the effect of sequence changes on RNA splicing suggest that this variant may disrupt the consensus splice site, but this prediction has not been confirmed by published transcriptional studies. This variant has not been reported in the literature in individuals with CC2D2A-related conditions. This variant is not present in population databases (ExAC no frequency). This sequence change affects an acceptor splice site in intron 5 of the CC2D2A gene. It is expected to disrupt RNA splicing and likely results in an absent or disrupted protein product.

Literature cited by the submitters: PubMed 16199547; PubMed 19777577.